The following is an entry in ClinVar:

NM_025243.4(SLC19A3):c.*1925A>G

Gene: SLC19A3 (solute carrier family 19 member 3; minus strand). Cytogenetic location: 2q36.3.
Variant type: single nucleotide variant.
Coding change: c.*1925A>G on transcript NM_025243.4 (MANE Select); 1925 bases downstream of the stop codon, A replaced by G.
Molecular consequence: 3 prime UTR variant.
Genome position (GRCh38, 1-based): chr2:227,685,472, T>C on the plus strand (A>G on the coding strand, the complement: SLC19A3 is on the minus strand). VCF-style: chr2-227685472-T-C. GRCh37 (hg19) VCF-style: chr2-228550188-T-C.
Identifiers: ClinVar variation 334841 (VCV000334841.5), dbSNP rs76014609, ClinGen allele CA10614485.

ClinVar aggregate classification (germline): Benign (1 of 4 stars; one submission).

Conditions:
Biotin-responsive basal ganglia disease (BTBGD). Also called: Thiamine Transporter-2 Deficiency; THIAMINE METABOLISM DYSFUNCTION SYNDROME 2 (BIOTIN- AND THIAMINE-RESPONSIVE TYPE); Thiamine metabolism dysfunction syndrome type 2; Thiamine metabolism dysfunction syndrome 2 (biotin- or thiamine-responsive encephalopathy type 2); thiamine-responsive encephalopathy. Identifiers: Orphanet 199348, Orphanet 65284, MedGen C1843807, MONDO:0011841, OMIM 607483.

Allele frequency attached by ClinVar (database versions not stated): gnomAD 0.02668; TOPMed 0.02931; 1000 Genomes Project 0.03375; 1000 Genomes Project 30x 0.03763.

Submission:

Illumina Laboratory Services, Illumina
Classification: Benign for Biotin-responsive basal ganglia disease. Last evaluated: 2018-01-13. Review status: criteria provided, single submitter. Criteria: ICSL Variant Classification Criteria 13 December 2019. Collection method: clinical testing. Allele origin: germline.
Comment: This variant was observed in the ICSL laboratory as part of a predisposition screen in an ostensibly healthy population. It had not been previously curated by ICSL or reported in the Human Gene Mutation Database (HGMD: prior to June 1st, 2018), and was therefore a candidate for classification through an automated scoring system. Utilizing variant allele frequency, disease prevalence and penetrance estimates, and inheritance mode, an automated score was calculated to assess if this variant is too frequent to cause the disease. Based on the score and internal cut-off values, a variant classified as benign is not then subjected to further curation. The score for this variant resulted in a classification of benign for this disease.